The following is an entry in ClinVar:

ClinVar aggregate classification (germline): Uncertain significance (1 of 4 stars; one submission).

Conditions:
Inborn genetic diseases. Identifiers: MedGen C0950123, MeSH D030342.

gnomAD v4.1: 5 of 1,206,448 alleles (0.00041%); highest among the groups gnomAD compares: South Asian, 0.0035%; no homozygotes.

Submission:

Ambry Genetics
Classification: Uncertain significance for Inborn genetic diseases. Last evaluated: 2025-09-21. Review status: criteria provided, single submitter. Criteria: Ambry Variant Classification Scheme 2023. Collection method: clinical testing. Allele origin: germline.
Comment: The c.407C>T (p.T136M) alteration is located in exon 5 (coding exon 4) of the PHF8 gene. This alteration results from a C to T substitution at nucleotide position 407, causing the threonine (T) at amino acid position 136 to be replaced by a methionine (M). Based on data from gnomAD, the T allele has an overall frequency of 0.001% (2/205084) total alleles studied. The highest observed frequency was 0.005% (1/19046) of South Asian alleles. Based on insufficient or conflicting evidence, the clinical significance of this alteration remains unclear.

NM_015107.3(PHF8):c.407C>T (p.Thr136Met)

Gene: PHF8 (PHD finger protein 8; minus strand). Cytogenetic location: Xp11.22.
Variant type: single nucleotide variant.
Coding change: c.407C>T on transcript NM_015107.3 (MANE Select); coding-DNA position 407, C replaced by T.
Protein change: p.Thr136Met; replaces threonine 136 with methionine.
Molecular consequence: missense variant.
Genome position (GRCh38, 1-based): chrX:54,017,708, G>A on the plus strand (C>T on the coding strand, the complement: PHF8 is on the minus strand). VCF-style: chrX-54017708-G-A. GRCh37 (hg19) VCF-style: chrX-54044141-G-A.
Other names: c.407C>T (NM_015107.2); c.515C>T, p.Thr172Met (NM_001184896.1); c.407C>T, p.Thr136Met (NM_001184897.2, NM_001184898.2); short protein forms T136M, T172M.
Identifiers: ClinVar variation 4627371 (VCV004627371.1).